The following is an entry in ClinVar:

ClinVar aggregate classification (germline): Pathogenic (1 of 4 stars; one submission).

Conditions:
Osteogenesis imperfecta type I (OI1). Also called: OI, TYPE I; OSTEOGENESIS IMPERFECTA TARDA; OSTEOGENESIS IMPERFECTA WITH BLUE SCLERAE; Osteogenesis imperfecta type 1; Classic Non-deforming Osteogenesis Imperfecta with Blue Sclerae; Lobstein's Disease. Identifiers: Orphanet 216796, Orphanet 666, MedGen C0023931, MONDO:0008146, OMIM 166200. Disease mechanism: loss of function.

Submission:

Labcorp Genetics (formerly Invitae), Labcorp
Classification: Pathogenic for Osteogenesis imperfecta type I. Last evaluated: 2025-01-20. Review status: criteria provided, single submitter. Criteria: Invitae Variant Classification Sherloc (09022015). Collection method: clinical testing. Allele origin: germline.
Comment: This sequence change creates a premature translational stop signal (p.Lys862*) in the COL1A1 gene. It is expected to result in an absent or disrupted protein product. Loss-of-function variants in COL1A1 are known to be pathogenic (PMID: 7942841, 9295084, 9443882). This variant is not present in population databases (gnomAD no frequency). This variant has not been reported in the literature in individuals affected with COL1A1-related conditions. ClinVar contains an entry for this variant (Variation ID: 1075011). For these reasons, this variant has been classified as Pathogenic.

Literature cited by the submitters: PubMed 7942841; PubMed 9295084; PubMed 9443882.

NM_000088.4(COL1A1):c.2584A>T (p.Lys862Ter)

Gene: COL1A1 (collagen type I alpha 1 chain; minus strand). Cytogenetic location: 17q21.33.
Variant type: single nucleotide variant.
Coding change: c.2584A>T on transcript NM_000088.4 (MANE Select); coding-DNA position 2584, A replaced by T.
Protein change: p.Lys862Ter; replaces lysine 862 with a stop codon.
Molecular consequence: nonsense.
Genome position (GRCh38, 1-based): chr17:50,189,888, T>A on the plus strand (A>T on the coding strand, the complement: COL1A1 is on the minus strand). VCF-style: chr17-50189888-T-A. GRCh37 (hg19) VCF-style: chr17-48267249-T-A.
Other names: short protein forms K862*.
Identifiers: ClinVar variation 1075011 (VCV001075011.7), dbSNP rs2144552243, ClinGen allele CA400207295.